The following is an entry in ClinVar:

ClinVar aggregate classification (germline): Uncertain significance. Review status: criteria provided, single submitter (1 of 4 stars). 2 submissions from 2 submitters: Uncertain significance (1). 1 of the submissions does not count toward it. Last evaluated 2024-03-18.

Conditions:
Glycogen storage disease, type IV (GSD4). Also called: GBE1 DEFICIENCY; GLYCOGEN BRANCHING ENZYME DEFICIENCY; GLYCOGENOSIS IV; GSD IV; Glycogen storage disease due to glycogen branching enzyme deficiency; AMYLOPECTINOSIS. Identifiers: MedGen C0017923, MONDO:0009292, OMIM 232500, Orphanet 367.
Glycogen storage disease IV, classic hepatic. Also called: GSD IV, CLASSIC HEPATIC. Identifiers: MedGen C1856301.

Allele frequency attached by ClinVar (database versions not stated): TOPMed below 0.00001.
gnomAD v4.1: 32 of 1,612,006 alleles (0.002%); highest among the groups gnomAD compares: Non-Finnish European, 0.0026%; no homozygotes.

Submissions (2):

Labcorp Genetics (formerly Invitae), Labcorp
Classification: Uncertain significance for Glycogen storage disease, type IV; Glycogen storage disease IV, classic hepatic. Last evaluated: 2024-03-18. Review status: criteria provided, single submitter. Criteria: Invitae Variant Classification Sherloc (09022015). Collection method: clinical testing. Allele origin: germline.
Comment: This sequence change replaces aspartic acid, which is acidic and polar, with glutamic acid, which is acidic and polar, at codon 668 of the GBE1 protein (p.Asp668Glu). This variant is present in population databases (rs757815784, gnomAD 0.007%). This variant has not been reported in the literature in individuals affected with GBE1-related conditions. ClinVar contains an entry for this variant (Variation ID: 1048821). Advanced modeling of protein sequence and biophysical properties (such as structural, functional, and spatial information, amino acid conservation, physicochemical variation, residue mobility, and thermodynamic stability) performed at Invitae indicates that this missense variant is not expected to disrupt GBE1 protein function with a negative predictive value of 95%. In summary, the available evidence is currently insufficient to determine the role of this variant in disease. Therefore, it has been classified as a Variant of Uncertain Significance.

Department of Pathology and Laboratory Medicine, Sinai Health System
Classification: Uncertain significance. Review status: no assertion criteria provided. Collection method: clinical testing. Allele origin: unknown. Affected: yes. Study: The Canadian Open Genetics Repository (COGR). Not counted in ClinVar's aggregate classification.
Comment: The GBE1 p.Asp668Glu variant was not identified in the literature nor was it identified in ClinVar or LOVD 3.0. The variant was identified in dbSNP (ID: rs757815784) and in control databases in 2 of 246624 chromosomes at a frequency of 0.00000811 (Genome Aggregation Database March 6, 2019, v2.1.1). The variant was observed in the following populations: African in 1 of 15318 chromosomes (freq: 0.000065) and European (non-Finnish) in 1 of 111882 chromosomes (freq: 0.000009), but was not observed in the Latino, Ashkenazi Jewish, East Asian, European (Finnish), Other, or South Asian populations. The p.Asp668 residue is not conserved in mammals and computational analyses (PolyPhen-2, SIFT, AlignGVGD, BLOSUM, MutationTaster) do not suggest a high likelihood of impact to the protein; however, this information is not predictive enough to rule out pathogenicity. The variant occurs outside of the splicing consensus sequence and in silico or computational prediction software programs (SpliceSiteFinder, MaxEntScan, NNSPLICE, GeneSplicer) do not predict a difference in splicing. In summary, based on the above information the clinical significance of this variant cannot be determined with certainty at this time. This variant is classified as a variant of uncertain significance.

NM_000158.4(GBE1):c.2004C>A (p.Asp668Glu)

Gene: GBE1 (1,4-alpha-glucan branching enzyme 1; minus strand). Cytogenetic location: 3p12.2.
Variant type: single nucleotide variant.
Coding change: c.2004C>A on transcript NM_000158.4 (MANE Select); coding-DNA position 2004, C replaced by A.
Protein change: p.Asp668Glu; replaces aspartic acid 668 with glutamic acid.
Molecular consequence: missense variant.
Genome position (GRCh38, 1-based): chr3:81,499,158, G>T on the plus strand (C>A on the coding strand, the complement: GBE1 is on the minus strand). VCF-style: chr3-81499158-G-T. GRCh37 (hg19) VCF-style: chr3-81548309-G-T.
Other names: short protein forms D668E.
Identifiers: ClinVar variation 1048821 (VCV001048821.3), dbSNP rs757815784, ClinGen allele CA2499489.
Genomic context (GRCh38, chr3:81,499,158, plus strand): 5'-AAACTTACTTACCAAAAGAGAATAGGGACGCCCATTATGTTCAAAAGCCTCAGAAAAAAA[G>T]TCAGTGCTGTGGTCCAGTCTCTGATGCCCTCCATATTCCGCTGCATCTGAATCTAGCACA-3'
Protein context (NP_000149.4, residues 658-678): GGHQRLDHST[Asp668Glu]FFSEAFEHNG